The following is an entry in ClinVar:

NM_001556.3(IKBKB):c.1117G>C (p.Asp373His)

Gene: IKBKB (inhibitor of nuclear factor kappa B kinase subunit beta; plus strand). Cytogenetic location: 8p11.21.
Variant type: single nucleotide variant.
Coding change: c.1117G>C on transcript NM_001556.3 (MANE Select); coding-DNA position 1117, G replaced by C.
Protein change: p.Asp373His; replaces aspartic acid 373 with histidine.
Molecular consequence: missense variant. On other transcripts: non-coding transcript variant (3).
Genome position (GRCh38, 1-based): chr8:42,316,896, G>C. VCF-style: chr8-42316896-G-C. GRCh37 (hg19) VCF-style: chr8-42174414-G-C.
Other names: c.925G>C, p.Asp309His (NM_001190720.3); c.940G>C, p.Asp314His (NM_001242778.2); short protein forms D309H, D314H, D373H.
Identifiers: ClinVar variation 1422110 (VCV001422110.6), dbSNP rs2130639266, ClinGen allele CA371085680.

ClinVar aggregate classification (germline): Uncertain significance (1 of 4 stars; one submission).

Conditions:
Severe combined immunodeficiency due to IKK2 deficiency. Also called: IMMUNODEFICIENCY 15B; Immunodeficiency 15. Identifiers: Orphanet 397787, MedGen C4747743, MONDO:0014267, OMIM 615592.

Submission:

Labcorp Genetics (formerly Invitae), Labcorp
Classification: Uncertain significance for Severe combined immunodeficiency due to IKK2 deficiency. Last evaluated: 2021-07-27. Review status: criteria provided, single submitter. Criteria: Invitae Variant Classification Sherloc (09022015). Collection method: clinical testing. Allele origin: germline.
Comment: In summary, the available evidence is currently insufficient to determine the role of this variant in disease. Therefore, it has been classified as a Variant of Uncertain Significance. Advanced modeling of protein sequence and biophysical properties (such as structural, functional, and spatial information, amino acid conservation, physicochemical variation, residue mobility, and thermodynamic stability) performed at Invitae indicates that this missense variant is not expected to disrupt IKBKB protein function. This variant has not been reported in the literature in individuals affected with IKBKB-related conditions. This variant is not present in population databases (ExAC no frequency). This sequence change replaces aspartic acid with histidine at codon 373 of the IKBKB protein (p.Asp373His). The aspartic acid residue is highly conserved and there is a moderate physicochemical difference between aspartic acid and histidine.